The following is an entry in ClinVar:

NM_015512.5(DNAH1):c.12531T>A (p.Asp4177Glu)

Gene: DNAH1 (dynein axonemal heavy chain 1; plus strand). Cytogenetic location: 3p21.1.
Variant type: single nucleotide variant.
Coding change: c.12531T>A on transcript NM_015512.5 (MANE Select); coding-DNA position 12531, T replaced by A.
Protein change: p.Asp4177Glu; replaces aspartic acid 4177 with glutamic acid.
Molecular consequence: missense variant.
Genome position (GRCh38, 1-based): chr3:52,399,634, T>A. VCF-style: chr3-52399634-T-A. GRCh37 (hg19) VCF-style: chr3-52433650-T-A.
Other names: short protein forms D4177E.
Identifiers: ClinVar variation 4782841 (VCV004782841.1).

ClinVar aggregate classification (germline): Uncertain significance (1 of 4 stars; one submission).

Conditions:
Spermatogenic failure 18. Identifiers: MedGen C4539783, MONDO:0054615, OMIM 617576.
Ciliary dyskinesia, primary, 37 (CILD37). Also called: CILIARY DYSKINESIA, PRIMARY, 37, WITH OR WITHOUT SITUS INVERSUS. Identifiers: MedGen C4539798, MONDO:0033204, OMIM 617577.

Submission:

Labcorp Genetics (formerly Invitae), Labcorp
Classification: Uncertain significance for Ciliary dyskinesia, primary, 37; Spermatogenic failure 18. Last evaluated: 2025-10-23. Review status: criteria provided, single submitter. Criteria: Invitae Variant Classification Sherloc (09022015). Collection method: clinical testing. Allele origin: germline.
Comment: This sequence change replaces aspartic acid, which is acidic and polar, with glutamic acid, which is acidic and polar, at codon 4177 of the DNAH1 protein (p.Asp4177Glu). This variant is not present in population databases (gnomAD no frequency). This variant has not been reported in the literature in individuals affected with DNAH1-related conditions. Invitae Evidence Modeling of protein sequence and biophysical properties (such as structural, functional, and spatial information, amino acid conservation, physicochemical variation, residue mobility, and thermodynamic stability) indicates that this missense variant is not expected to disrupt DNAH1 protein function with a negative predictive value of 80%. In summary, the available evidence is currently insufficient to determine the role of this variant in disease. Therefore, it has been classified as a Variant of Uncertain Significance.